The following is an entry in ClinVar:

ClinVar aggregate classification (germline): Benign. Review status: criteria provided, multiple submitters, no conflicts (2 of 4 stars). 5 submissions from 5 submitters: Benign (5). Last evaluated 2026-02-04.

Conditions:
Atrial fibrillation, familial, 6 (ATFB6). Identifiers: MedGen C2677294, MONDO:0012816, OMIM 612201.

Allele frequency attached by ClinVar (database versions not stated): gnomAD exomes 0.13746; ExAC 0.14369; 1000 Genomes Project 0.17911; 1000 Genomes Project 30x 0.18738; gnomAD 0.20703 and 0.21442; TOPMed 0.21947; ESP Exome Variant Server 0.24104.

Submissions (5):

Labcorp Genetics (formerly Invitae), Labcorp
Classification: Benign for Atrial fibrillation, familial, 6. Last evaluated: 2026-02-04. Review status: criteria provided, single submitter. Criteria: Invitae Variant Classification Sherloc (09022015). Collection method: clinical testing. Allele origin: germline.

GeneDx
Classification: Benign. Last evaluated: 2018-11-15. Review status: criteria provided, single submitter. Criteria: GeneDx Variant Classification Process June 2021. Collection method: clinical testing. Allele origin: germline. Affected: yes.
Comment: This variant is associated with the following publications: (PMID: 23529183, 22400494, 20543198, 17984371, 24041948, 19702001, 22575314, 25401746, 15017020, 29439446)

PreventionGenetics, part of Exact Sciences
Classification: Benign. Last evaluated: 2016-04-12. Review status: criteria provided, single submitter. Criteria: ACMG Guidelines, 2015. Collection method: clinical testing. Allele origin: germline.

Laboratory for Molecular Medicine, Mass General Brigham Personalized Medicine
Classification: Benign. Last evaluated: 2015-07-31. Review status: criteria provided, single submitter. Criteria: LMM Criteria. Collection method: clinical testing. Allele origin: germline. Observed: 3 variant alleles.
Comment: p.X152ArgextX3 in exon 3 of NPPA: This variant is not expected to have clinical significance since it has been identified in 40.1% (4244/10406) of African chrom osomes by the Exome Aggregation Consortium (ExAC ; dbSNP rs5065).

Breakthrough Genomics
Classification: Benign. Review status: criteria provided, single submitter. Criteria: ACMG Guidelines, 2015. Collection method: not provided. Allele origin: germline. Inheritance: Autosomal recessive inheritance. Affected: yes.

Literature cited by the submitters: PubMed 19702001 (cited by Laboratory for Molecular Medicine, Mass General Brigham Personalized Medicine); PubMed 20543198 (cited by Laboratory for Molecular Medicine, Mass General Brigham Personalized Medicine); PubMed 23529183 (cited by Laboratory for Molecular Medicine, Mass General Brigham Personalized Medicine); PubMed 22400494 (cited by Laboratory for Molecular Medicine, Mass General Brigham Personalized Medicine); PubMed 17984371 (cited by Laboratory for Molecular Medicine, Mass General Brigham Personalized Medicine); PubMed 15017020 (cited by Laboratory for Molecular Medicine, Mass General Brigham Personalized Medicine); PubMed 25401746 (cited by Laboratory for Molecular Medicine, Mass General Brigham Personalized Medicine); PubMed 22575314 (cited by Laboratory for Molecular Medicine, Mass General Brigham Personalized Medicine); PubMed 24041948 (cited by Laboratory for Molecular Medicine, Mass General Brigham Personalized Medicine).

NM_006172.4(NPPA):c.454T>C (p.Ter152Arg)

Genes: NPPA-AS1 (NPPA antisense RNA 1; plus strand), NPPA (natriuretic peptide A; minus strand). Cytogenetic location: 1p36.22.
Variant type: single nucleotide variant.
Coding change: c.454T>C on transcript NM_006172.4 (MANE Select); coding-DNA position 454, T replaced by C.
Protein change: p.Ter152Arg.
Molecular consequence: stop lost.
Genome position (GRCh38, 1-based): chr1:11,846,011, A>G on the plus strand (T>C on the coding strand, the complement: NPPA is on the minus strand). VCF-style: chr1-11846011-A-G. GRCh37 (hg19) VCF-style: chr1-11906068-A-G.
Other names: *152R.
Identifiers: ClinVar variation 226855 (VCV000226855.17), dbSNP rs5065, ClinGen allele CA596983.